The following is an entry in ClinVar:

NM_005159.5(ACTC1):c.787C>G (p.Leu263Val)

Genes: ACTC1 (actin alpha cardiac muscle 1; minus strand), GJD2-DT (GJD2 divergent transcript; plus strand). Cytogenetic location: 15q14.
Variant type: single nucleotide variant.
Coding change: c.787C>G on transcript NM_005159.5 (MANE Select); coding-DNA position 787, C replaced by G.
Protein change: p.Leu263Val; replaces leucine 263 with valine.
Molecular consequence: missense variant.
Genome position (GRCh38, 1-based): chr15:34,792,111, G>C on the plus strand (C>G on the coding strand, the complement: ACTC1 is on the minus strand). VCF-style: chr15-34792111-G-C. GRCh37 (hg19) VCF-style: chr15-35084312-G-C.
Other names: c.787C>G, p.Leu263Val (NM_001406482.1, NM_001406483.1); c.652C>G, p.Leu218Val (NM_001406484.1); c.346C>G, p.Leu116Val (NM_001406485.1); short protein forms L116V, L218V, L263V.
Identifiers: ClinVar variation 3749971 (VCV003749971.2).

ClinVar aggregate classification (germline): Uncertain significance (1 of 4 stars; one submission).

Conditions:
Atrial septal defect 5 (ASD5). Identifiers: Orphanet 1478, MedGen C2748552, MONDO:0013011, OMIM 612794.
Dilated cardiomyopathy 1R (CMD1R). Identifiers: Orphanet 154, Orphanet 54260, MedGen C3150681, MONDO:0013261, OMIM 613424.
Hypertrophic cardiomyopathy 11. Also called: ACTC1-Related Familial Hypertrophic Cardiomyopathy. Identifiers: MedGen C2677506, MONDO:0012799, OMIM 612098.

gnomAD v4.1: 1 of 1,614,230 alleles (0.000062%); highest among the groups gnomAD compares: Non-Finnish European, 0.000085%; no homozygotes.

Submission:

Labcorp Genetics (formerly Invitae), Labcorp
Classification: Uncertain significance for Dilated cardiomyopathy 1R; Hypertrophic cardiomyopathy 11; Atrial septal defect 5. Last evaluated: 2025-05-15. Review status: criteria provided, single submitter. Criteria: Invitae Variant Classification Sherloc (09022015). Collection method: clinical testing. Allele origin: germline.
Comment: This sequence change replaces leucine, which is neutral and non-polar, with valine, which is neutral and non-polar, at codon 263 of the ACTC1 protein (p.Leu263Val). This variant is not present in population databases (gnomAD no frequency). This missense change has been observed in individual(s) with hypertrophic cardiomyopathy (PMID: 37652022). ClinVar contains an entry for this variant (Variation ID: 3749971). Invitae Evidence Modeling of protein sequence and biophysical properties (such as structural, functional, and spatial information, amino acid conservation, physicochemical variation, residue mobility, and thermodynamic stability) indicates that this missense variant is not expected to disrupt ACTC1 protein function with a negative predictive value of 80%. In summary, the available evidence is currently insufficient to determine the role of this variant in disease. Therefore, it has been classified as a Variant of Uncertain Significance.

Literature cited by the submitters: PubMed 37652022.